The following is an entry in ClinVar:

NM_001085487.3(MYSM1):c.541G>A (p.Gly181Ser)

Gene: MYSM1 (Myb like, SWIRM and MPN domains 1; minus strand). Cytogenetic location: 1p32.1.
Variant type: single nucleotide variant.
Coding change: c.541G>A on transcript NM_001085487.3 (MANE Select); coding-DNA position 541, G replaced by A.
Protein change: p.Gly181Ser; replaces glycine 181 with serine.
Molecular consequence: missense variant.
Genome position (GRCh38, 1-based): chr1:58,682,503, C>T on the plus strand (G>A on the coding strand, the complement: MYSM1 is on the minus strand). VCF-style: chr1-58682503-C-T. GRCh37 (hg19) VCF-style: chr1-59148175-C-T.
Other names: short protein forms G181S.
Identifiers: ClinVar variation 1507944 (VCV001507944.4), dbSNP rs748536103, ClinGen allele CA877989.

ClinVar aggregate classification (germline): Uncertain significance (1 of 4 stars; one submission).

Allele frequency attached by ClinVar (database versions not stated): TOPMed 0.00002; ExAC 0.00003; gnomAD exomes 0.00006.
gnomAD v4.1: 25 of 1,613,052 alleles (0.0015%); highest among the groups gnomAD compares: Admixed American, 0.027%; no homozygotes.

Submission:

Labcorp Genetics (formerly Invitae), Labcorp
Classification: Uncertain significance. Last evaluated: 2023-12-22. Review status: criteria provided, single submitter. Criteria: Invitae Variant Classification Sherloc (09022015). Collection method: clinical testing. Allele origin: germline.
Comment: This sequence change replaces glycine, which is neutral and non-polar, with serine, which is neutral and polar, at codon 181 of the MYSM1 protein (p.Gly181Ser). This variant is present in population databases (rs748536103, gnomAD 0.02%). This variant has not been reported in the literature in individuals affected with MYSM1-related conditions. ClinVar contains an entry for this variant (Variation ID: 1507944). Advanced modeling of protein sequence and biophysical properties (such as structural, functional, and spatial information, amino acid conservation, physicochemical variation, residue mobility, and thermodynamic stability) performed at Invitae indicates that this missense variant is not expected to disrupt MYSM1 protein function with a negative predictive value of 80%. In summary, the available evidence is currently insufficient to determine the role of this variant in disease. Therefore, it has been classified as a Variant of Uncertain Significance.